The following is an entry in ClinVar:

ClinVar aggregate classification (germline): Uncertain significance. Review status: criteria provided, multiple submitters, no conflicts (2 of 4 stars). 2 submissions from 2 submitters: Uncertain significance (2). Last evaluated 2025-09-16.

Conditions:
PKHD1-related disorder. Also called: PKHD1-related condition.
Autosomal recessive polycystic kidney disease (ARPKD). Also called: AR polycystic kidney disease. Identifiers: Orphanet 731, Orphanet 8378, MedGen C0085548, MeSH D017044, MONDO:0009889.

Submissions (2):

Labcorp Genetics (formerly Invitae), Labcorp
Classification: Uncertain significance for Autosomal recessive polycystic kidney disease. Last evaluated: 2025-09-16. Review status: criteria provided, single submitter. Criteria: Invitae Variant Classification Sherloc (09022015). Collection method: clinical testing. Allele origin: germline.
Comment: This sequence change falls in intron 51 of the PKHD1 gene. It does not directly change the encoded amino acid sequence of the PKHD1 protein. It affects a nucleotide within the consensus splice site. This variant is not present in population databases (gnomAD no frequency). This variant has not been reported in the literature in individuals affected with PKHD1-related conditions. Variants that disrupt the consensus splice site are a relatively common cause of aberrant splicing (PMID: 17576681, 9536098). Algorithms developed to predict the effect of sequence changes on RNA splicing suggest that this variant may disrupt the consensus splice site. In summary, the available evidence is currently insufficient to determine the role of this variant in disease. Therefore, it has been classified as a Variant of Uncertain Significance.

PreventionGenetics, part of Exact Sciences
Classification: Uncertain significance for PKHD1-related condition. Last evaluated: 2024-12-13. Review status: criteria provided, single submitter. Criteria: ACMG Guidelines, 2015. Collection method: clinical testing. Allele origin: germline.
Comment: The PKHD1 c.8173+5G>A variant is predicted to interfere with splicing. This variant is predicted to alter splicing based on available splicing prediction programs (SpliceAI, Jaganathan et al. 2019. PubMed ID: 30661751). However, such computer prediction programs are imperfect. To our knowledge, this variant has not been reported in the literature or in a large population database (gnomAD), indicating this variant is rare. At this time, the clinical significance of this variant is uncertain due to the absence of conclusive functional and genetic evidence.

Literature cited by the submitters: PubMed 17576681 (cited by Labcorp Genetics (formerly Invitae), Labcorp); PubMed 9536098 (cited by Labcorp Genetics (formerly Invitae), Labcorp).

NM_138694.4(PKHD1):c.8173+5G>A

Gene: PKHD1 (PKHD1 ciliary IPT domain containing fibrocystin/polyductin; minus strand). Cytogenetic location: 6p12.2.
Variant type: single nucleotide variant.
Coding change: c.8173+5G>A on transcript NM_138694.4 (MANE Select); 5 bases into the intron after coding-DNA position 8173, G replaced by A.
Molecular consequence: intron variant.
Genome position (GRCh38, 1-based): chr6:51,836,399, C>T on the plus strand (G>A on the coding strand, the complement: PKHD1 is on the minus strand). VCF-style: chr6-51836399-C-T. GRCh37 (hg19) VCF-style: chr6-51701197-C-T.
Other names: c.8173+5G>A (NM_170724.3, NM_138694.3).
Identifiers: ClinVar variation 4725766 (VCV004725766.2).